The following is an entry in ClinVar:

ClinVar aggregate classification (germline): Benign/Likely benign. Review status: criteria provided, multiple submitters, no conflicts (2 of 4 stars). 2 submissions from 2 submitters: Benign (1); Likely benign (1). Last evaluated 2024-09-05.

Conditions:
Familial cancer of breast. Also called: BREAST CANCER, FAMILIAL; hereditary breast carcinoma; Hereditary breast cancer. Identifiers: Orphanet 227535, MedGen C0346153, MONDO:0016419, OMIM 114480. Disease mechanism: loss of function.

Submissions (2):

Myriad Genetics, Inc.
Classification: Benign for Familial cancer of breast. Last evaluated: 2024-09-05. Review status: criteria provided, single submitter. Criteria: Myriad Autosomal Dominant, Autosomal Recessive and X-Linked Classification Criteria (2023). Collection method: clinical testing. Allele origin: unknown.
Comment: This variant is considered benign. This variant is a silent/synonymous amino acid change and it is not expected to impact splicing.

GeneDx
Classification: Likely benign. Last evaluated: 2018-02-27. Review status: criteria provided, single submitter. Criteria: GeneDx Variant Classification (06012015). Collection method: clinical testing. Allele origin: germline. Affected: yes.
Comment: This variant is considered likely benign or benign based on one or more of the following criteria: it is a conservative change, it occurs at a poorly conserved position in the protein, it is predicted to be benign by multiple in silico algorithms, and/or has population frequency not consistent with disease.

NM_032043.3(BRIP1):c.2718G>A (p.Glu906=)

Gene: BRIP1 (BRCA1 interacting DNA helicase 1; minus strand). Cytogenetic location: 17q23.2.
Variant type: single nucleotide variant.
Coding change: c.2718G>A on transcript NM_032043.3 (MANE Select); coding-DNA position 2718, G replaced by A.
Protein change: p.Glu906=; no amino-acid change (glutamic acid 906 retained).
Molecular consequence: synonymous variant.
Genome position (GRCh38, 1-based): chr17:61,686,023, C>T on the plus strand (G>A on the coding strand, the complement: BRIP1 is on the minus strand). VCF-style: chr17-61686023-C-T. GRCh37 (hg19) VCF-style: chr17-59763384-C-T.
Identifiers: ClinVar variation 515902 (VCV000515902.2), dbSNP rs1042327124, ClinGen allele CA292268152.